The following is an entry in ClinVar:

ClinVar aggregate classification (germline): Conflicting classifications of pathogenicity. Review status: criteria provided, conflicting classifications (1 of 4 stars). 3 submissions from 3 submitters: Likely pathogenic (1); Uncertain significance (2). Last evaluated 2025-09-02.

Conditions:
Hereditary cancer-predisposing syndrome. Also called: Tumor predisposition; Hereditary neoplastic syndrome; Neoplastic Syndromes, Hereditary; Hereditary Cancer Syndrome. Identifiers: Orphanet 140162, MedGen C0027672, MeSH D009386, MONDO:0015356.
Microcephaly, normal intelligence and immunodeficiency (NBS). Also called: BERLIN BREAKAGE SYNDROME; SEEMANOVA SYNDROME II; Immunodeficiency, microcephaly with normal intelligence; Ataxia telangiectasia variant V1; Nijmegen breakage syndrome; IMMUNODEFICIENCY, MICROCEPHALY, AND CHROMOSOMAL INSTABILITY. Identifiers: Orphanet 647, MedGen C0398791, MONDO:0009623, OMIM 251260.

Allele frequency attached by ClinVar (database versions not stated): TOPMed below 0.00001; gnomAD exomes 0.00001.
gnomAD v4.1: 11 of 1,613,702 alleles (0.00068%); highest among the groups gnomAD compares: Non-Finnish European, 0.00093%; no homozygotes.

Submissions (3):

Labcorp Genetics (formerly Invitae), Labcorp
Classification: Uncertain significance for Microcephaly, normal intelligence and immunodeficiency. Last evaluated: 2025-09-02. Review status: criteria provided, single submitter. Criteria: Invitae Variant Classification Sherloc (09022015). Collection method: clinical testing. Allele origin: germline.
Comment: This sequence change replaces glycine, which is neutral and non-polar, with arginine, which is basic and polar, at codon 332 of the NBN protein (p.Gly332Arg). This variant also falls at the last nucleotide of exon 8, which is part of the consensus splice site for this exon. This variant is not present in population databases (gnomAD no frequency). This variant has not been reported in the literature in individuals affected with NBN-related conditions. ClinVar contains an entry for this variant (Variation ID: 1498269). An algorithm developed to predict the effect of missense changes on protein structure and function (PolyPhen-2) suggests that this variant is likely to be disruptive. Variants that disrupt the consensus splice site are a relatively common cause of aberrant splicing (PMID: 17576681, 9536098). Algorithms developed to predict the effect of sequence changes on RNA splicing suggest that this variant may disrupt the consensus splice site. In summary, the available evidence is currently insufficient to determine the role of this variant in disease. Therefore, it has been classified as a Variant of Uncertain Significance.

Women's Health and Genetics/Laboratory Corporation of America, LabCorp
Classification: Uncertain significance. Last evaluated: 2025-01-14. Review status: criteria provided, single submitter. Criteria: LabCorp Variant Classification Summary - May 2015. Collection method: clinical testing. Allele origin: germline.
Comment: Variant summary: NBN c.994G>A (p.Gly332Arg) results in a non-conservative amino acid change in the encoded protein sequence. Three of five in-silico tools predict a damaging effect of the variant on protein function. Several computational tools predict a significant impact on normal splicing: One predict the variant abolishes a 5' splicing donor site. Three predict the variant weakens a 5' donor site. However, these predictions have yet to be confirmed by functional studies. The frequency data for this variant in gnomAD is considered unreliable, as metrics indicate poor data quality at this position. To our knowledge, no occurrence of c.994G>A in individuals affected with Nijmegen Breakage Syndrome and no experimental evidence demonstrating its impact on protein function have been reported. ClinVar contains an entry for this variant (Variation ID: 1498269). Based on the evidence outlined above, the variant was classified as uncertain significance.

Ambry Genetics
Classification: Likely pathogenic for Hereditary cancer-predisposing syndrome. Last evaluated: 2024-11-07. Review status: criteria provided, single submitter. Criteria: Ambry Variant Classification Scheme 2023. Collection method: clinical testing. Allele origin: germline.
Comment: The c.994G>A variant (also known as p.G332R), located in coding exon 8 of the NBN gene, results from a G to A substitution at nucleotide position 994. The amino acid change results in glycine to arginine at codon 332, an amino acid with dissimilar properties. However, this change occurs in the last base pair of coding exon 8, which makes it likely to have some effect on normal mRNA splicing. This nucleotide position is highly conserved in available vertebrate species. In silico splice site analysis predicts that this alteration will weaken the native splice donor site. RNA studies have demonstrated that this alteration results in abnormal splicing in the set of samples tested (Ambry internal data). Based on the majority of available evidence to date, this variant is likely to be pathogenic.

Literature cited by the submitters: PubMed 17576681 (cited by Labcorp Genetics (formerly Invitae), Labcorp); PubMed 9536098 (cited by Labcorp Genetics (formerly Invitae), Labcorp).

NM_002485.5(NBN):c.994G>A (p.Gly332Arg)

Gene: NBN (nibrin; minus strand). Cytogenetic location: 8q21.3.
Variant type: single nucleotide variant.
Coding change: c.994G>A on transcript NM_002485.5 (MANE Select); coding-DNA position 994, G replaced by A.
Protein change: p.Gly332Arg; replaces glycine 332 with arginine.
Molecular consequence: missense variant.
Genome position (GRCh38, 1-based): chr8:89,964,410, C>T on the plus strand (G>A on the coding strand, the complement: NBN is on the minus strand). VCF-style: chr8-89964410-C-T. GRCh37 (hg19) VCF-style: chr8-90976638-C-T.
Other names: c.994G>A (NM_002485.4); c.748G>A, p.Gly250Arg (NM_001024688.3); short protein forms G332R, G250R.
Identifiers: ClinVar variation 1498269 (VCV001498269.11), dbSNP rs1437392838, ClinGen allele CA371656838.